The following is an entry in ClinVar:

ClinVar aggregate classification (germline): Pathogenic (1 of 4 stars; one submission).

Conditions:
Carnitine palmitoyl transferase 1A deficiency. Also called: Carnitine palmitoyltransferase type I deficiency; Carnitine palmitoyltransferase 1A deficiency; CPT deficiency, hepatic, type IA; CPT I DEFICIENCY; CPT DEFICIENCY, HEPATIC, TYPE I. Identifiers: Orphanet 156, MedGen C1829703, MONDO:0009705, OMIM 255120.

Submission:

Labcorp Genetics (formerly Invitae), Labcorp
Classification: Pathogenic for Carnitine palmitoyl transferase 1A deficiency. Last evaluated: 2022-08-06. Review status: criteria provided, single submitter. Criteria: Invitae Variant Classification Sherloc (09022015). Collection method: clinical testing. Allele origin: germline.
Comment: For these reasons, this variant has been classified as Pathogenic. This variant has not been reported in the literature in individuals affected with CPT1A-related conditions. This variant is not present in population databases (gnomAD no frequency). This sequence change creates a premature translational stop signal (p.Gln628Glyfs*2) in the CPT1A gene. It is expected to result in an absent or disrupted protein product. Loss-of-function variants in CPT1A are known to be pathogenic (PMID: 16169268).

Literature cited by the submitters: PubMed 16169268.

NM_001876.4(CPT1A):c.1882_1885del (p.Gln628fs)

Gene: CPT1A (carnitine palmitoyltransferase 1A; minus strand). Cytogenetic location: 11q13.3.
Variant type: Deletion.
Coding change: c.1882_1885del on transcript NM_001876.4 (MANE Select); coding-DNA positions 1882 to 1885, 4 bases deleted (CAGA; older notation c.1882_1885delCAGA).
Protein change: p.Gln628fs; shifts the reading frame from glutamine 628.
Molecular consequence: frameshift variant.
Genome position (GRCh38, 1-based): chr11:68,761,678-68,761,681, TCTG deleted on the plus strand (CAGA on the coding strand, the reverse complement: CPT1A is on the minus strand); deleting any 4 consecutive bases within chr11:68,761,678-68,761,682 gives the same sequence; the c. name uses the placement nearest the transcript's 3' end. VCF-style (leftmost placement, unchanged base first): chr11-68761677-CTCTG-C. GRCh37 (hg19) VCF-style: chr11-68529145-CTCTG-C.
Other names: c.1882_1885del, p.Gln628fs (NM_001031847.3); short protein forms Q628fs.
Identifiers: ClinVar variation 1993872 (VCV001993872.4), dbSNP rs2495513259, ClinGen allele CA2580084752.
Genomic context (GRCh38, chr11:68,761,677, plus strand): 5'-GTCATGGCGAGGCGATACATATGCTGATGCTTCTCAGACGCCAACTTGAACAACTTCAGC[CTCTG>C]TTCCACCTGAGTGACAAAAGGTGGGAAGGACATATGTTGCATGTCTCAAGTTGAGCAGTT-3'